The following is an entry in ClinVar:

NM_000701.8(ATP1A1):c.620C>A (p.Ser207Tyr)

Gene: ATP1A1 (ATPase Na+/K+ transporting subunit alpha 1; plus strand). Cytogenetic location: 1p13.1.
Variant type: single nucleotide variant.
Coding change: c.620C>A on transcript NM_000701.8 (MANE Select); coding-DNA position 620, C replaced by A.
Protein change: p.Ser207Tyr; replaces serine 207 with tyrosine.
Molecular consequence: missense variant.
Genome position (GRCh38, 1-based): chr1:116,388,756, C>A. VCF-style: chr1-116388756-C-A. GRCh37 (hg19) VCF-style: chr1-116931378-C-A.
Other names: c.620C>A, p.Ser207Tyr (NM_001160233.2); c.527C>A, p.Ser176Tyr (NM_001160234.2); short protein forms S207Y, S176Y.
Identifiers: ClinVar variation 3720088 (VCV003720088.2).
Genomic context (GRCh38, chr1:116,388,756, plus strand): 5'-TTGGGGATCTGGTGGAAGTAAAAGGAGGAGACCGAATTCCTGCTGACCTCAGAATCATAT[C>A]TGCAAATGGCTGCAAGGTAGCTCTTTTATTTTAACAAACCTCATAGCTAGCTCTGCTGTT-3'
Protein context (NP_000692.2, residues 197-217): DRIPADLRII[Ser207Tyr]ANGCKVDNSS

ClinVar aggregate classification (germline): Uncertain significance (1 of 4 stars; one submission).

Submission:

Labcorp Genetics (formerly Invitae), Labcorp
Classification: Uncertain significance. Last evaluated: 2024-09-26. Review status: criteria provided, single submitter. Criteria: Invitae Variant Classification Sherloc (09022015). Collection method: clinical testing. Allele origin: germline.
Comment: This sequence change replaces serine, which is neutral and polar, with tyrosine, which is neutral and polar, at codon 207 of the ATP1A1 protein (p.Ser207Tyr). This variant is not present in population databases (gnomAD no frequency). This variant has not been reported in the literature in individuals affected with ATP1A1-related conditions. Invitae Evidence Modeling of protein sequence and biophysical properties (such as structural, functional, and spatial information, amino acid conservation, physicochemical variation, residue mobility, and thermodynamic stability) indicates that this missense variant is not expected to disrupt ATP1A1 protein function with a negative predictive value of 80%. This variant disrupts the p.Ser207 amino acid residue in ATP1A1. Other variant(s) that disrupt this residue have been determined to be pathogenic (PMID: 31373411). This suggests that this residue is clinically significant, and that variants that disrupt this residue are likely to be disease-causing. In summary, the available evidence is currently insufficient to determine the role of this variant in disease. Therefore, it has been classified as a Variant of Uncertain Significance.

Literature cited by the submitters: PubMed 31373411.